The following is an entry in ClinVar:

NM_152393.4(KLHL40):c.573G>A (p.Glu191=)

Gene: KLHL40 (kelch like family member 40; plus strand). Cytogenetic location: 3p22.1.
Variant type: single nucleotide variant.
Coding change: c.573G>A on transcript NM_152393.4 (MANE Select); coding-DNA position 573, G replaced by A.
Protein change: p.Glu191=; no amino-acid change (glutamic acid 191 retained).
Molecular consequence: synonymous variant.
Genome position (GRCh38, 1-based): chr3:42,686,191, G>A. VCF-style: chr3-42686191-G-A. GRCh37 (hg19) VCF-style: chr3-42727683-G-A.
Identifiers: ClinVar variation 3050447 (VCV003050447.2), dbSNP rs2471307847, ClinGen allele CA433350460.
Genomic context (GRCh38, chr3:42,686,191, plus strand): 5'-ACTCTCGGCCGACGAGCTCATCGCCATCATCTCCAGCGACGGCCTTAACGTGGAGAAGGA[G>A]GAGGCAGTGTTCGAGGCGGTGATGCGGTGGGCGGGTAGCGGCGACGCCGAGGCGCAGGCT-3'
Protein context (NP_689606.2, residues 181-201): ISSDGLNVEK[Glu191=]EAVFEAVMRW

ClinVar aggregate classification (germline): Likely benign (0 of 4 stars; one submission).

Conditions:
KLHL40-related disorder. Also called: KLHL40-related condition.

Submission:

PreventionGenetics, part of Exact Sciences
Classification: Likely benign for KLHL40-related condition. Last evaluated: 2022-05-26. Review status: no assertion criteria provided. Collection method: clinical testing. Allele origin: germline.
Comment: This variant is classified as likely benign based on ACMG/AMP sequence variant interpretation guidelines (Richards et al. 2015 PMID: 25741868, with internal and published modifications).